The following is an entry in ClinVar:

ClinVar aggregate classification (germline): Uncertain significance. Review status: criteria provided, multiple submitters, no conflicts (2 of 4 stars). 2 submissions from 2 submitters: Uncertain significance (2). Last evaluated 2025-07-01.

Submissions (2):

CeGaT Center for Human Genetics Tuebingen
Classification: Uncertain significance. Last evaluated: 2025-07-01. Review status: criteria provided, single submitter. Criteria: CeGaT Center For Human Genetics Tuebingen Variant Classification Criteria Version 2. Collection method: clinical testing. Allele origin: germline. Affected: yes. Observed: 1 variant allele.
Comment: EP300: PM2, PP3

GeneDx
Classification: Uncertain significance. Last evaluated: 2023-08-01. Review status: criteria provided, single submitter. Criteria: GeneDx Variant Classification Process June 2021. Collection method: clinical testing. Allele origin: germline. Affected: yes.
Comment: Not observed at significant frequency in large population cohorts (gnomAD); In silico analysis supports that this missense variant has a deleterious effect on protein structure/function; Has not been previously published as pathogenic or benign to our knowledge

NM_001429.4(EP300):c.4789G>A (p.Val1597Met)

Gene: EP300 (EP300 lysine acetyltransferase; plus strand). Cytogenetic location: 22q13.2.
Variant type: single nucleotide variant.
Coding change: c.4789G>A on transcript NM_001429.4 (MANE Select); coding-DNA position 4789, G replaced by A.
Protein change: p.Val1597Met; replaces valine 1597 with methionine.
Molecular consequence: missense variant.
Genome position (GRCh38, 1-based): chr22:41,176,256, G>A. VCF-style: chr22-41176256-G-A. GRCh37 (hg19) VCF-style: chr22-41572260-G-A.
Other names: c.4711G>A, p.Val1571Met (NM_001362843.2); short protein forms V1571M, V1597M.
Identifiers: ClinVar variation 3361925 (VCV003361925.9).